The following is an entry in ClinVar:

NM_001127222.2(CACNA1A):c.1555+121C>T

Gene: CACNA1A (calcium voltage-gated channel subunit alpha1 A; minus strand). Cytogenetic location: 19p13.13.
Variant type: single nucleotide variant.
Coding change: c.1555+121C>T on transcript NM_001127222.2 (MANE Select); 121 bases into the intron after coding-DNA position 1555, C replaced by T.
Molecular consequence: intron variant.
Genome position (GRCh38, 1-based): chr19:13,316,991, G>A on the plus strand (C>T on the coding strand, the complement: CACNA1A is on the minus strand). VCF-style: chr19-13316991-G-A. GRCh37 (hg19) VCF-style: chr19-13427805-G-A.
Other names: c.1558+121C>T (NM_001127221.2, NM_001174080.2, NM_000068.4 and 1 more transcripts).
Identifiers: ClinVar variation 678171 (VCV000678171.1), dbSNP rs2292037, ClinGen allele CA15959551.

ClinVar aggregate classification (germline): Benign (1 of 4 stars; one submission).

Allele frequency attached by ClinVar (database versions not stated): gnomAD exomes 0.25201; gnomAD 0.29245 and 0.29406; TOPMed 0.30522; 1000 Genomes Project 0.35403; 1000 Genomes Project 30x 0.35603.
gnomAD v4.1: 171,682 of 654,664 alleles (26%); highest among the groups gnomAD compares: East Asian, 46%; 24,680 homozygotes.

Submission:

GeneDx
Classification: Benign. Last evaluated: 2018-06-14. Review status: criteria provided, single submitter. Criteria: GeneDx Variant Classification (06012015). Collection method: clinical testing. Allele origin: germline. Affected: yes.
Comment: This variant is considered likely benign or benign based on one or more of the following criteria: it is a conservative change, it occurs at a poorly conserved position in the protein, it is predicted to be benign by multiple in silico algorithms, and/or has population frequency not consistent with disease.